The following is an entry in ClinVar:

NM_004104.5(FASN):c.5380G>A (p.Val1794Ile)

Gene: FASN (fatty acid synthase; minus strand). Cytogenetic location: 17q25.3.
Variant type: single nucleotide variant.
Coding change: c.5380G>A on transcript NM_004104.5 (MANE Select); coding-DNA position 5380, G replaced by A.
Protein change: p.Val1794Ile; replaces valine 1794 with isoleucine.
Molecular consequence: missense variant.
Genome position (GRCh38, 1-based): chr17:82,083,387, C>T on the plus strand (G>A on the coding strand, the complement: FASN is on the minus strand). VCF-style: chr17-82083387-C-T. GRCh37 (hg19) VCF-style: chr17-80041263-C-T.
Other names: short protein forms V1794I.
Identifiers: ClinVar variation 3677255 (VCV003677255.2).
Genomic context (GRCh38, chr17:82,083,387, plus strand): 5'-CAAGCGCCCACACCTCCCGCCAGTCAGCACTGCTCTCGTTGAAGAACGCATCCAGTAGGA[C>T]CCCGTGGAATGTCACGTTCTTCAGGAAGATAGCCATGCCTGCGGGCAGGGGCCGTGCTCA-3'
Protein context (NP_004095.4, residues 1784-1804): IFLKNVTFHG[Val1794Ile]LLDAFFNESS

ClinVar aggregate classification (germline): Uncertain significance (1 of 4 stars; one submission).

Conditions:
Epileptic encephalopathy. Identifiers: MedGen C0543888, HP:0200134.

gnomAD v4.1: 20 of 1,612,802 alleles (0.0012%); highest among the groups gnomAD compares: Admixed American, 0.0033%; no homozygotes.

Submission:

Labcorp Genetics (formerly Invitae), Labcorp
Classification: Uncertain significance for Epileptic encephalopathy. Last evaluated: 2024-06-13. Review status: criteria provided, single submitter. Criteria: Invitae Variant Classification Sherloc (09022015). Collection method: clinical testing. Allele origin: germline.
Comment: This sequence change replaces valine, which is neutral and non-polar, with isoleucine, which is neutral and non-polar, at codon 1794 of the FASN protein (p.Val1794Ile). This variant is present in population databases (rs201916101, gnomAD 0.004%). This variant has not been reported in the literature in individuals affected with FASN-related conditions. Algorithms developed to predict the effect of missense changes on protein structure and function output the following: SIFT: "Not Available"; PolyPhen-2: "Benign"; Align-GVGD: "Not Available". The isoleucine amino acid residue is found in multiple mammalian species, which suggests that this missense change does not adversely affect protein function. In summary, the available evidence is currently insufficient to determine the role of this variant in disease. Therefore, it has been classified as a Variant of Uncertain Significance.